The following is an entry in ClinVar:

NM_014915.3(ANKRD26):c.1597G>C (p.Glu533Gln)

Gene: ANKRD26 (ankyrin repeat domain containing 26; minus strand). Cytogenetic location: 10p12.1.
Variant type: single nucleotide variant.
Coding change: c.1597G>C on transcript NM_014915.3 (MANE Select); coding-DNA position 1597, G replaced by C.
Protein change: p.Glu533Gln; replaces glutamic acid 533 with glutamine.
Molecular consequence: missense variant.
Genome position (GRCh38, 1-based): chr10:27,053,358, C>G on the plus strand (G>C on the coding strand, the complement: ANKRD26 is on the minus strand). VCF-style: chr10-27053358-C-G. GRCh37 (hg19) VCF-style: chr10-27342287-C-G.
Other names: c.1597G>C, p.Glu533Gln (NM_001256053.2); short protein forms E533Q.
Identifiers: ClinVar variation 3870736 (VCV003870736.1).

ClinVar aggregate classification (germline): Uncertain significance (1 of 4 stars; one submission).

Conditions:
Inborn genetic diseases. Identifiers: MedGen C0950123, MeSH D030342.

gnomAD v4.1: 3 of 1,559,378 alleles (0.00019%); highest among the groups gnomAD compares: Non-Finnish European, 0.00026%; no homozygotes.

Submission:

Ambry Genetics
Classification: Uncertain significance for Inborn genetic diseases. Last evaluated: 2025-01-24. Review status: criteria provided, single submitter. Criteria: Ambry Variant Classification Scheme 2023. Collection method: clinical testing. Allele origin: germline.
Comment: The p.E533Q variant (also known as c.1597G>C), located in coding exon 16 of the ANKRD26 gene, results from a G to C substitution at nucleotide position 1597. The glutamic acid at codon 533 is replaced by glutamine, an amino acid with highly similar properties. This amino acid position is conserved. In addition, this alteration is predicted to be tolerated by in silico analysis. Based on the available evidence, the clinical significance of this variant remains unclear.